The following is an entry in ClinVar:

ClinVar aggregate classification (germline): Uncertain significance (1 of 4 stars; one submission).

Conditions:
PRKAG2-related cardiomyopathy. Identifiers: MedGen CN375941, MONDO:0800484.

Submission:

Clinical Genomics Laboratory, Stanford Medicine
Classification: Uncertain significance for PRKAG2-related cardiomyopathy. Last evaluated: 2023-10-13. Review status: criteria provided, single submitter. Criteria: ACMG Guidelines, 2015. Collection method: clinical testing. Allele origin: germline. Observed: 1 variant allele, 1 heterozygote.
Comment: The p.Asn325Asp variant in the PRKAG2 gene has not been previously reported in association with disease. This variant was absent from large population databases, including the Genome Aggregation Database. The asparagine at position 325 is evolutionarily conserved. Computational tools predict that the p.Asn325Asp variant is deleterious; however, the accuracy of in silico algorithms is limited. These data were assessed using the ACMG/AMP variant interpretation guidelines. In summary, the significance of the p.Asn325Asp variant is uncertain. Additional information is needed to resolve the significance of this variant. [ACMG evidence codes used: PM2; PP3]

NM_016203.4(PRKAG2):c.973A>G (p.Asn325Asp)

Gene: PRKAG2 (protein kinase AMP-activated non-catalytic subunit gamma 2; minus strand). Cytogenetic location: 7q36.1.
Variant type: single nucleotide variant.
Coding change: c.973A>G on transcript NM_016203.4 (MANE Select); coding-DNA position 973, A replaced by G.
Protein change: p.Asn325Asp; replaces asparagine 325 with aspartic acid.
Molecular consequence: missense variant.
Genome position (GRCh38, 1-based): chr7:151,574,923, T>C on the plus strand (A>G on the coding strand, the complement: PRKAG2 is on the minus strand). VCF-style: chr7-151574923-T-C. GRCh37 (hg19) VCF-style: chr7-151272009-T-C.
Other names: c.841A>G, p.Asn281Asp (NM_001040633.2, NM_001407024.1); c.598A>G, p.Asn200Asp (NM_001304527.2, NM_001407029.1); c.250A>G, p.Asn84Asp (NM_001304531.2, NM_001407034.1, NM_001407035.1 and 1 more transcripts); c.601A>G, p.Asn201Asp (NM_001363698.2, NM_001407028.1); c.973A>G, p.Asn325Asp (NM_001407021.1); c.970A>G, p.Asn324Asp (NM_001407022.1, NM_001407023.1); c.838A>G, p.Asn280Asp (NM_001407026.1, NM_001407027.1); c.685A>G, p.Asn229Asp (NM_001407030.1); and 6 more; short protein forms N100D, N104D, N200D, N201D, N217D, N219D, N228D, N229D.
Identifiers: ClinVar variation 3600302 (VCV003600302.1).